The following is an entry in ClinVar:

NM_004656.4(BAP1):c.2188T>C (p.Ter730Arg)

Gene: BAP1 (BRCA1 associated deubiquitinase 1; minus strand). Cytogenetic location: 3p21.1.
Variant type: single nucleotide variant.
Coding change: c.2188T>C on transcript NM_004656.4 (MANE Select); coding-DNA position 2188, T replaced by C.
Protein change: p.Ter730Arg.
Molecular consequence: stop lost.
Genome position (GRCh38, 1-based): chr3:52,402,290, A>G on the plus strand (T>C on the coding strand, the complement: BAP1 is on the minus strand). VCF-style: chr3-52402290-A-G. GRCh37 (hg19) VCF-style: chr3-52436306-A-G.
Other names: c.2134T>C, p.Ter712Arg (NM_001410772.1).
Identifiers: ClinVar variation 1787368 (VCV001787368.3), dbSNP rs1704980243, ClinGen allele CA353093850.
Genomic context (GRCh38, chr3:52,402,290, plus strand): 5'-AGGACCCTGGTGAGGGCCACACGGCAAGAGTGGGCTGCAGAGTCAGGGCCAGCAGTCCTC[A>G]CTGGCGCTTGGCCTTGTAGGGGCGAGAGCGTTTCCGCCGGTCAGGCTTCCGCTGCTTGTG-3'

ClinVar aggregate classification (germline): Likely pathogenic (1 of 4 stars; one submission).

Conditions:
Hereditary cancer-predisposing syndrome. Also called: Neoplastic Syndromes, Hereditary; Tumor predisposition; Hereditary Cancer Syndrome; Hereditary neoplastic syndrome. Identifiers: Orphanet 140162, MedGen C0027672, MeSH D009386, MONDO:0015356.

Submission:

Ambry Genetics
Classification: Likely pathogenic for Hereditary cancer-predisposing syndrome. Last evaluated: 2024-12-11. Review status: criteria provided, single submitter. Criteria: Ambry Variant Classification Scheme 2023. Collection method: clinical testing. Allele origin: germline.
Comment: The p.*730R variant (also known as c.2188T>C), located in coding exon 17 of the BAP1 gene, results from a T to C substitution at nucleotide position 2188, which is the last nucleotide of the BAP1 gene. This alteration disrupts the stop codon of the BAP1 gene and is predicted to preserve the native sequence while resulting in the elongation of the protein by 204 amino acids. However, This variant has been identified in at least one individual with a personal/family history that is consistent with BAP1-associated disease (Ambry internal data; Young KZ et al. JAAD Case Rep, 2020 Jun;6:563-566). This alteration was non-functional in a high throughput genome editing haploid cell survival assay (Waters AJ et al. Nat Genet, 2024 Jul;56:1434-1445). This variant is considered to be rare based on population cohorts in the Genome Aggregation Database (gnomAD). Based on the majority of available evidence to date, this variant is likely to be pathogenic.

Literature cited by the submitters: PubMed 22683710; PubMed 26452128; PubMed 32509949; PubMed 38969833.